The following is an entry in ClinVar:

NM_003722.5(TP63):c.797G>C (p.Arg266Pro)

Gene: TP63 (tumor protein p63; plus strand). Cytogenetic location: 3q28.
Variant type: single nucleotide variant.
Coding change: c.797G>C on transcript NM_003722.5 (MANE Select); coding-DNA position 797, G replaced by C.
Protein change: p.Arg266Pro; replaces arginine 266 with proline.
Molecular consequence: missense variant.
Genome position (GRCh38, 1-based): chr3:189,866,712, G>C. VCF-style: chr3-189866712-G-C. GRCh37 (hg19) VCF-style: chr3-189584501-G-C.
Other names: R227P; c.797G>C, p.Arg266Pro (NM_001114979.2, NM_001329144.2, NM_001329148.2 and 1 more transcripts); c.515G>C, p.Arg172Pro (NM_001114980.2, NM_001114981.2, NM_001114982.2 and 2 more transcripts); c.260G>C, p.Arg87Pro (NM_001329146.2, NM_001329150.2); c.791G>C, p.Arg264Pro (NM_001329964.2); c.797G>C (NM_003722.4); short protein forms R172P, R264P, R266P, R87P.
Identifiers: ClinVar variation 30348 (VCV000030348.2), dbSNP rs121908849, ClinGen allele CA355754417.

ClinVar aggregate classification (germline): Likely pathogenic. Review status: criteria provided, single submitter (1 of 4 stars). 2 submissions from 2 submitters: Likely pathogenic (1). 1 of the submissions does not count toward it. Last evaluated 2023-12-21.

Conditions:
Ectrodactyly, ectodermal dysplasia, and cleft lip-palate syndrome 3. Also called: Ectrodactyly, Ectodermal Dysplasia, Clefting Syndrome; Ectrodactyly, Ectodermal Dysplasia, Cleft Lip/Palate Syndrome 3 (EEC3); Ectrodactyly, Ectodermal Dysplasia, Clefting Syndrome Type 3 (EEC3); EEC SYNDROME 3. Identifiers: Orphanet 1896, MedGen C1858562, MONDO:0011428, OMIM 604292.

Submissions (2):

GeneDx
Classification: Likely pathogenic. Last evaluated: 2023-12-21. Review status: criteria provided, single submitter. Criteria: GeneDx Variant Classification Process June 2021. Collection method: clinical testing. Allele origin: germline. Affected: yes.
Comment: In silico analysis supports that this missense variant has a deleterious effect on protein structure/function; Not observed at significant frequency in large population cohorts (gnomAD); Also known as p.R237P; This variant is associated with the following publications: (PMID: 17224651, 21652629, 21204238, 32021595)

OMIM
Classification: Pathogenic for ECTRODACTYLY, ECTODERMAL DYSPLASIA, AND CLEFT LIP/PALATE SYNDROME 3. Last evaluated: 2011-01-01. Review status: no assertion criteria provided. Collection method: literature only. Allele origin: germline. Not counted in ClinVar's aggregate classification.

Literature cited by the submitters: PubMed 21204238 (cited by OMIM).